The following is an entry in ClinVar:

ClinVar aggregate classification (germline): Uncertain significance (1 of 4 stars; one submission).

Conditions:
Naxos disease (NXD). Also called: KERATOSIS PALMOPLANTARIS WITH ARRHYTHMOGENIC CARDIOMYOPATHY; MAL DE NAXOS; PALMOPLANTAR KERATODERMA WITH ARRHYTHMOGENIC RIGHT VENTRICULAR CARDIOMYOPATHY AND WOOLLY HAIR; WOOLLY HAIR, PALMOPLANTAR KERATODERMA, AND CARDIAC ABNORMALITIES; CARDIOMYOPATHY, ARRHYTHMOGENIC RIGHT VENTRICULAR, WITH SKIN, HAIR, AND NAIL ABNORMALITIES. Identifiers: Orphanet 34217, MedGen C1832600, MONDO:0011017, OMIM 601214.
Arrhythmogenic right ventricular dysplasia 12. Also called: ARRHYTHMOGENIC RIGHT VENTRICULAR DYSPLASIA, FAMILIAL, 12. Identifiers: MedGen C1969081, MONDO:0012684, OMIM 611528.

Submission:

Labcorp Genetics (formerly Invitae), Labcorp
Classification: Uncertain significance for Arrhythmogenic right ventricular dysplasia 12; Naxos disease. Last evaluated: 2022-12-08. Review status: criteria provided, single submitter. Criteria: Invitae Variant Classification Sherloc (09022015). Collection method: clinical testing. Allele origin: germline.
Comment: Algorithms developed to predict the effect of missense changes on protein structure and function are either unavailable or do not agree on the potential impact of this missense change (SIFT: "Tolerated"; PolyPhen-2: "Probably Damaging"; Align-GVGD: "Class C0"). In summary, the available evidence is currently insufficient to determine the role of this variant in disease. Therefore, it has been classified as a Variant of Uncertain Significance. This variant has not been reported in the literature in individuals affected with JUP-related conditions. This sequence change replaces tyrosine, which is neutral and polar, with histidine, which is basic and polar, at codon 324 of the JUP protein (p.Tyr324His). This variant is not present in population databases (gnomAD no frequency).

NM_002230.4(JUP):c.970T>C (p.Tyr324His)

Gene: JUP (junction plakoglobin; minus strand). Cytogenetic location: 17q21.2.
Variant type: single nucleotide variant.
Coding change: c.970T>C on transcript NM_002230.4 (MANE Select); coding-DNA position 970, T replaced by C.
Protein change: p.Tyr324His; replaces tyrosine 324 with histidine.
Molecular consequence: missense variant.
Genome position (GRCh38, 1-based): chr17:41,765,007, A>G on the plus strand (T>C on the coding strand, the complement: JUP is on the minus strand). VCF-style: chr17-41765007-A-G. GRCh37 (hg19) VCF-style: chr17-39921259-A-G.
Other names: c.970T>C, p.Tyr324His (NM_001352773.2, NM_001352774.2, NM_001352775.2 and 3 more transcripts); short protein forms Y324H.
Identifiers: ClinVar variation 2933182 (VCV002933182.3), dbSNP rs782797975, ClinGen allele CA399499507.
Genomic context (GRCh38, chr17:41,765,007, plus strand): 5'-TGCTGGGACACACGGATAGCACCTTGAGCACACGACTGGTGGTCCAGAGCAGCTTTTCAT[A>G]ACTGTAGTTACGCATGATCTGCACGAGGGCCTGGGGCCCACCATTGGCCAGGATGATCAG-3'
Protein context (NP_002221.1, residues 314-334): ALVQIMRNYS[Tyr324His]EKLLWTTSRV